The following is an entry in ClinVar:

NM_000088.4(COL1A1):c.1768G>T (p.Gly590Ter)

Gene: COL1A1 (collagen type I alpha 1 chain; minus strand). Cytogenetic location: 17q21.33.
Variant type: single nucleotide variant.
Coding change: c.1768G>T on transcript NM_000088.4 (MANE Select); coding-DNA position 1768, G replaced by T.
Protein change: p.Gly590Ter; replaces glycine 590 with a stop codon.
Molecular consequence: nonsense.
Genome position (GRCh38, 1-based): chr17:50,193,047, C>A on the plus strand (G>T on the coding strand, the complement: COL1A1 is on the minus strand). VCF-style: chr17-50193047-C-A. GRCh37 (hg19) VCF-style: chr17-48270408-C-A.
Other names: short protein forms G590*.
Identifiers: ClinVar variation 4730934 (VCV004730934.1).

ClinVar aggregate classification (germline): Pathogenic (1 of 4 stars; one submission).

Conditions:
Osteogenesis imperfecta type I (OI1). Also called: Osteogenesis imperfecta type 1; Lobstein's Disease; OI, TYPE I; OSTEOGENESIS IMPERFECTA TARDA; OSTEOGENESIS IMPERFECTA WITH BLUE SCLERAE; Lobstein disease. Identifiers: Orphanet 216796, Orphanet 666, MedGen C0023931, MONDO:0008146, OMIM 166200. Disease mechanism: loss of function.

Submission:

Labcorp Genetics (formerly Invitae), Labcorp
Classification: Pathogenic for Osteogenesis imperfecta type I. Last evaluated: 2025-11-13. Review status: criteria provided, single submitter. Criteria: Invitae Variant Classification Sherloc (09022015). Collection method: clinical testing. Allele origin: germline.
Comment: This sequence change creates a premature translational stop signal (p.Gly590*) in the COL1A1 gene. It is expected to result in an absent or disrupted protein product. Loss-of-function variants in COL1A1 are known to be pathogenic (PMID: 7942841, 9295084, 9443882). This variant is not present in population databases (gnomAD no frequency). This variant has not been reported in the literature in individuals affected with COL1A1-related conditions. For these reasons, this variant has been classified as Pathogenic.

Literature cited by the submitters: PubMed 7942841; PubMed 9295084; PubMed 9443882.